The following is an entry in ClinVar:

NM_002470.4(MYH3):c.3410G>A (p.Arg1137His)

Gene: MYH3 (myosin heavy chain 3; minus strand). Cytogenetic location: 17p13.1.
Variant type: single nucleotide variant.
Coding change: c.3410G>A on transcript NM_002470.4 (MANE Select); coding-DNA position 3410, G replaced by A.
Protein change: p.Arg1137His; replaces arginine 1137 with histidine.
Molecular consequence: missense variant.
Genome position (GRCh38, 1-based): chr17:10,638,362, C>T on the plus strand (G>A on the coding strand, the complement: MYH3 is on the minus strand). VCF-style: chr17-10638362-C-T. GRCh37 (hg19) VCF-style: chr17-10541679-C-T.
Other names: short protein forms R1137H.
Identifiers: ClinVar variation 2731921 (VCV002731921.4), dbSNP rs150492596, ClinGen allele CA8392525.

ClinVar aggregate classification (germline): Uncertain significance. Review status: criteria provided, multiple submitters, no conflicts (2 of 4 stars). 2 submissions from 2 submitters: Uncertain significance (2). Last evaluated 2025-07-14.

Allele frequency attached by ClinVar (database versions not stated): ESP Exome Variant Server 0.00008; gnomAD exomes 0.00001; ExAC 0.00003.
gnomAD v4.1: 19 of 1,608,022 alleles (0.0012%); highest among the groups gnomAD compares: Middle Eastern, 0.049%; no homozygotes.

Submissions (2):

Labcorp Genetics (formerly Invitae), Labcorp
Classification: Uncertain significance. Last evaluated: 2025-07-14. Review status: criteria provided, single submitter. Criteria: Invitae Variant Classification Sherloc (09022015). Collection method: clinical testing. Allele origin: germline.
Comment: This sequence change replaces arginine, which is basic and polar, with histidine, which is basic and polar, at codon 1137 of the MYH3 protein (p.Arg1137His). This variant is present in population databases (rs150492596, gnomAD 0.007%). This variant has not been reported in the literature in individuals affected with MYH3-related conditions. ClinVar contains an entry for this variant (Variation ID: 2731921). Invitae Evidence Modeling of protein sequence and biophysical properties (such as structural, functional, and spatial information, amino acid conservation, physicochemical variation, residue mobility, and thermodynamic stability) indicates that this missense variant is not expected to disrupt MYH3 protein function with a negative predictive value of 95%. In summary, the available evidence is currently insufficient to determine the role of this variant in disease. Therefore, it has been classified as a Variant of Uncertain Significance.

Women's Health and Genetics/Laboratory Corporation of America, LabCorp
Classification: Uncertain significance. Last evaluated: 2025-03-12. Review status: criteria provided, single submitter. Criteria: LabCorp Variant Classification Summary - May 2015. Collection method: clinical testing. Allele origin: germline.
Comment: Variant summary: MYH3 c.3410G>A (p.Arg1137His) results in a non-conservative amino acid change in the encoded protein sequence. Five of five in-silico tools predict a damaging effect of the variant on protein function. The variant allele was found at a frequency of 2.4e-05 in 246470 control chromosomes. The available data on variant occurrences in the general population are insufficient to allow any conclusion about variant significance. To our knowledge, no occurrence of c.3410G>A in individuals affected with MYH3-Related Disorders and no experimental evidence demonstrating its impact on protein function have been reported. ClinVar contains an entry for this variant (Variation ID: 2731921). Based on the evidence outlined above, the variant was classified as uncertain significance.